The following is an entry in ClinVar:

NM_014165.4(NDUFAF4):c.59G>A (p.Arg20Gln)

Genes: NDUFAF4 (NADH:ubiquinone oxidoreductase complex assembly factor 4; minus strand), LOC129996857 (ATAC-STARR-seq lymphoblastoid active region 24846; plus strand). Cytogenetic location: 6q16.1.
Variant type: single nucleotide variant.
Coding change: c.59G>A on transcript NM_014165.4 (MANE Select); coding-DNA position 59, G replaced by A.
Protein change: p.Arg20Gln; replaces arginine 20 with glutamine.
Molecular consequence: missense variant.
Genome position (GRCh38, 1-based): chr6:96,897,743, C>T on the plus strand (G>A on the coding strand, the complement: NDUFAF4 is on the minus strand). VCF-style: chr6-96897743-C-T. GRCh37 (hg19) VCF-style: chr6-97345619-C-T.
Other names: c.59G>A (NM_014165.2, NM_014165.3); short protein forms R20Q.
Identifiers: ClinVar variation 1461290 (VCV001461290.9), dbSNP rs147891467, ClinGen allele CA3931494.
Genomic context (GRCh38, chr6:96,897,743, plus strand): 5'-AGGAGGCTGTTGGTAGAGGGGTGTCTGGGAGCGACAGAGGGCTTCATCTTGCTGATTTCC[C>T]GTTCCGCTCGGTTCTCTAGGTTGAAATTCCTGATACCGCGAATCACTAGTGCTCCCATCT-3'
Protein context (NP_054884.1, residues 10-30): RNFNLENRAE[Arg20Gln]EISKMKPSVA

ClinVar aggregate classification (germline): Uncertain significance. Review status: criteria provided, multiple submitters, no conflicts (2 of 4 stars). 3 submissions from 3 submitters: Uncertain significance (3). Last evaluated 2025-09-08.

Conditions:
Inborn genetic diseases. Identifiers: MedGen C0950123, MeSH D030342.

Allele frequency attached by ClinVar (database versions not stated): TOPMed 0.00002; ExAC 0.00003; gnomAD 0.00003; gnomAD exomes 0.00003 and 0.00005; ESP Exome Variant Server 0.00008.
gnomAD v4.1: 79 of 1,614,064 alleles (0.0049%); highest among the groups gnomAD compares: Non-Finnish European, 0.0064%; no homozygotes.

Submissions (3):

Labcorp Genetics (formerly Invitae), Labcorp
Classification: Uncertain significance. Last evaluated: 2025-09-08. Review status: criteria provided, single submitter. Criteria: Invitae Variant Classification Sherloc (09022015). Collection method: clinical testing. Allele origin: germline.
Comment: This sequence change replaces arginine, which is basic and polar, with glutamine, which is neutral and polar, at codon 20 of the NDUFAF4 protein (p.Arg20Gln). This variant is present in population databases (rs147891467, gnomAD 0.007%). This variant has not been reported in the literature in individuals affected with NDUFAF4-related conditions. ClinVar contains an entry for this variant (Variation ID: 1461290). An algorithm developed to predict the effect of missense changes on protein structure and function (PolyPhen-2) suggests that this variant is likely to be tolerated. In summary, the available evidence is currently insufficient to determine the role of this variant in disease. Therefore, it has been classified as a Variant of Uncertain Significance.

GeneDx
Classification: Uncertain significance. Last evaluated: 2025-02-06. Review status: criteria provided, single submitter. Criteria: GeneDx Variant Classification Process June 2021. Collection method: clinical testing. Allele origin: germline. Affected: yes.
Comment: Not observed at significant frequency in large population cohorts (gnomAD); In silico analysis supports that this missense variant has a deleterious effect on protein structure/function; Has not been previously published as pathogenic or benign to our knowledge

Ambry Genetics
Classification: Uncertain significance for Inborn genetic diseases. Last evaluated: 2021-08-02. Review status: criteria provided, single submitter. Criteria: Ambry Variant Classification Scheme 2023. Collection method: clinical testing. Allele origin: germline.